The following is an entry in ClinVar:

GRCh38/hg38 20p11.23(chr20:20986544-21194074)x1

Genes: KIZ (kizuna centrosomal protein; plus strand), LINC00237 (long intergenic non-protein coding RNA 237; minus strand), LOC112694692 (Sharpr-MPRA regulatory region 9877; plus strand), LOC126862994 (CDK7 strongly-dependent group 2 enhancer GRCh37_chr20:20998081-20999280; plus strand), LOC126862995 (P300/CBP strongly-dependent group 1 enhancer GRCh37_chr20:21098327-21099526; plus strand) and 5 more. Cytogenetic location: 20p11.23.
Variant type: copy number loss.
Change: copy number 1 (one copy instead of two) of chr20:20,986,544-21,194,074 (207.5 kb, GRCh38 coordinates, 1-based), cytogenetic band 20p11.23.
Identifiers: ClinVar variation 4796459 (VCV004796459.1).

ClinVar aggregate classification (germline): Uncertain significance (1 of 4 stars; one submission).

Submission:

Medical Genetic Center, Changzhi Maternal and Child Health Care Hospital
Classification: Uncertain significance. Last evaluated: 2025-12-10. Review status: criteria provided, single submitter. Criteria: ACMG/ClinGen CNV Guidelines, 2019. Collection method: clinical testing. Allele origin: unknown.